The following is an entry in ClinVar:

ClinVar aggregate classification (germline): Uncertain significance (1 of 4 stars; one submission).

Conditions:
Hereditary hyperekplexia. Identifiers: Orphanet 3197, MedGen C4084968, MONDO:0021022.

Allele frequency attached by ClinVar (database versions not stated): ExAC 0.00001; gnomAD 0.00001; TOPMed 0.00002; gnomAD exomes 0.00003.
gnomAD v4.1: 15 of 1,604,486 alleles (0.00093%); highest among the groups gnomAD compares: Admixed American, 0.012%; no homozygotes.

Submission:

Labcorp Genetics (formerly Invitae), Labcorp
Classification: Uncertain significance for Hereditary hyperekplexia. Last evaluated: 2025-12-22. Review status: criteria provided, single submitter. Criteria: Invitae Variant Classification Sherloc (09022015). Collection method: clinical testing. Allele origin: germline.
Comment: This sequence change replaces leucine, which is neutral and non-polar, with isoleucine, which is neutral and non-polar, at codon 11 of the GLRA1 protein (p.Leu11Ile). This variant is present in population databases (rs750512870, gnomAD 0.01%). This missense change has been observed in individual(s) with autosomal dominant hyperekplexia (internal data). ClinVar contains an entry for this variant (Variation ID: 655437). Invitae Evidence Modeling of protein sequence and biophysical properties (such as structural, functional, and spatial information, amino acid conservation, physicochemical variation, residue mobility, and thermodynamic stability) indicates that this missense variant is not expected to disrupt GLRA1 protein function with a negative predictive value of 95%. In summary, the available evidence is currently insufficient to determine the role of this variant in disease. Therefore, it has been classified as a Variant of Uncertain Significance.

NM_000171.4(GLRA1):c.31C>A (p.Leu11Ile)

Gene: GLRA1 (glycine receptor alpha 1; minus strand). Cytogenetic location: 5q33.1.
Variant type: single nucleotide variant.
Coding change: c.31C>A on transcript NM_000171.4 (MANE Select); coding-DNA position 31, C replaced by A.
Protein change: p.Leu11Ile; replaces leucine 11 with isoleucine.
Molecular consequence: missense variant. On other transcripts: 5 prime UTR variant (1).
Genome position (GRCh38, 1-based): chr5:151,924,519, G>T on the plus strand (C>A on the coding strand, the complement: GLRA1 is on the minus strand). VCF-style: chr5-151924519-G-T. GRCh37 (hg19) VCF-style: chr5-151304080-G-T.
Other names: c.31C>A, p.Leu11Ile (NM_001146040.2); c.-91C>A (NM_001292000.2); short protein forms L11I.
Identifiers: ClinVar variation 655437 (VCV000655437.8), dbSNP rs750512870, ClinGen allele CA3523811.